The following is an entry in ClinVar:

ClinVar aggregate classification (germline): Likely pathogenic (1 of 4 stars; one submission).

Submission:

Mayo Clinic Laboratories, Mayo Clinic
Classification: Likely pathogenic. Last evaluated: 2024-12-27. Review status: criteria provided, single submitter. Criteria: ACMG Guidelines, 2015. Collection method: clinical testing. Allele origin: germline. Observed: 1 variant allele.
Comment: PP3_strong, PP4, PM2_supporting

NM_000642.3(AGL):c.521C>T (p.Ser174Phe)

Gene: AGL (amylo-alpha-1,6-glucosidase and 4-alpha-glucanotransferase; plus strand). Cytogenetic location: 1p21.2.
Variant type: single nucleotide variant.
Coding change: c.521C>T on transcript NM_000642.3 (MANE Select); coding-DNA position 521, C replaced by T.
Protein change: p.Ser174Phe; replaces serine 174 with phenylalanine.
Molecular consequence: missense variant. On other transcripts: intron variant (2).
Genome position (GRCh38, 1-based): chr1:99,864,446, C>T. VCF-style: chr1-99864446-C-T. GRCh37 (hg19) VCF-style: chr1-100330002-C-T.
Other names: p.Ser174Phe; c.521C>T, p.Ser174Phe (NM_000643.3, NM_000644.3, NM_001425325.1 and 3 more transcripts); c.473C>T, p.Ser158Phe (NM_000646.3); c.143C>T, p.Ser48Phe (NM_001425332.1); c.460+2023C>T (NM_001425328.1, NM_001425329.1); short protein forms S174F, S48F, S158F.
Identifiers: ClinVar variation 4541316 (VCV004541316.1).